The following is an entry in ClinVar:

NM_006031.6(PCNT):c.1754G>A (p.Arg585Gln)

Gene: PCNT (pericentrin; plus strand). Cytogenetic location: 21q22.3.
Variant type: single nucleotide variant.
Coding change: c.1754G>A on transcript NM_006031.6 (MANE Select); coding-DNA position 1754, G replaced by A.
Protein change: p.Arg585Gln; replaces arginine 585 with glutamine.
Molecular consequence: missense variant.
Genome position (GRCh38, 1-based): chr21:46,354,061, G>A. VCF-style: chr21-46354061-G-A. GRCh37 (hg19) VCF-style: chr21-47773975-G-A.
Other names: c.1400G>A, p.Arg467Gln (NM_001315529.2); short protein forms R585Q, R467Q.
Identifiers: ClinVar variation 436255 (VCV000436255.7), dbSNP rs769615384, ClinGen allele CA10078728.
Genomic context (GRCh38, chr21:46,354,061, plus strand): 5'-GTTTAGAAGAGAAACCTGAGAAAGGAAGAAAAGATCACGTTGATGAACTCGAGCCTGAGC[G>A]ACATAAGGTAATTGGCCGCGCGCTGAGAAGTGGGGGAGTCCTGTGCTCTTGACCTTCCAG-3'
Protein context (NP_006022.3, residues 575-595): KDHVDELEPE[Arg585Gln]HKESLPRFQA

ClinVar aggregate classification (germline): Conflicting classifications of pathogenicity. Review status: criteria provided, conflicting classifications (1 of 4 stars). 2 submissions from 2 submitters: Uncertain significance (1); Likely benign (1). Last evaluated 2025-12-23.

Conditions:
PCNT-related disorder. Also called: PCNT-related condition.

Allele frequency attached by ClinVar (database versions not stated): gnomAD 0.00003; gnomAD exomes 0.00004 and 0.00006; TOPMed 0.00004; ExAC 0.00006.

Submissions (2):

PreventionGenetics, part of Exact Sciences
Classification: Uncertain significance for PCNT-related condition. Last evaluated: 2025-12-23. Review status: criteria provided, single submitter. Criteria: ACMG Guidelines, 2015. Collection method: clinical testing. Allele origin: germline.
Comment: The PCNT c.1754G>A variant is predicted to result in the amino acid substitution p.Arg585Gln. To our knowledge, this variant has not been reported in the literature. This variant is reported in 0.0097% of alleles in individuals of European (non-Finnish) descent in gnomAD. At this time, the clinical significance of this variant is uncertain due to the absence of conclusive functional and genetic evidence.

Genetic Services Laboratory, University of Chicago
Classification: Likely benign. Last evaluated: 2015-10-12. Review status: criteria provided, single submitter. Criteria: ACMG Guidelines, 2015. Collection method: clinical testing. Allele origin: germline. Affected: no.